The following is an entry in ClinVar:

ClinVar aggregate classification (germline): Pathogenic (1 of 4 stars; one submission).

Conditions:
Congenital muscular dystrophy due to integrin alpha-7 deficiency. Also called: MYOPATHY, CONGENITAL, DUE TO INTEGRIN ALPHA-7 DEFICIENCY; Congenital muscular dystrophy with integrin alpha-7 deficiency; Muscular dystrophy, congenital, due to ITGA7 deficiency. Identifiers: Orphanet 34520, MedGen C2750786, MONDO:0013177, OMIM 613204.

Allele frequency attached by ClinVar (database versions not stated): gnomAD below 0.00001 and 0.00001; gnomAD exomes 0.00001; ExAC 0.00002; ESP Exome Variant Server 0.00008.
gnomAD v4.1: 11 of 1,613,986 alleles (0.00068%); highest among the groups gnomAD compares: East Asian, 0.0022%; no homozygotes.

Submission:

Labcorp Genetics (formerly Invitae), Labcorp
Classification: Pathogenic for Congenital muscular dystrophy due to integrin alpha-7 deficiency. Last evaluated: 2017-10-17. Review status: criteria provided, single submitter. Criteria: Invitae Variant Classification Sherloc (09022015). Collection method: clinical testing. Allele origin: germline.
Comment: This sequence change creates a premature translational stop signal (p.Arg486*) in the ITGA7 gene. It is expected to result in an absent or disrupted protein product. This variant is present in population databases (rs372328960, ExAC 0.01%). This variant has not been reported in the literature in individuals with ITGA7-related disease. Loss-of-function variants in ITGA7 are known to be pathogenic (PMID: 9590299). For these reasons, this variant has been classified as Pathogenic.

Literature cited by the submitters: PubMed 9590299.

NM_002206.3(ITGA7):c.1456C>T (p.Arg486Ter)

Gene: ITGA7 (integrin subunit alpha 7; minus strand). Cytogenetic location: 12q13.2.
Variant type: single nucleotide variant.
Coding change: c.1456C>T on transcript NM_002206.3 (MANE Select); coding-DNA position 1456, C replaced by T.
Protein change: p.Arg486Ter; replaces arginine 486 with a stop codon.
Molecular consequence: nonsense.
Genome position (GRCh38, 1-based): chr12:55,697,500, G>A on the plus strand (C>T on the coding strand, the complement: ITGA7 is on the minus strand). VCF-style: chr12-55697500-G-A. GRCh37 (hg19) VCF-style: chr12-56091284-G-A.
Other names: c.1468C>T, p.Arg490Ter (NM_001144996.2, NM_001414029.1); c.1177C>T, p.Arg393Ter (NM_001144997.2); c.1129C>T, p.Arg377Ter (NM_001367993.1); c.112C>T, p.Arg38Ter (NM_001367994.1); c.1456C>T, p.Arg486Ter (NM_001374465.1, NM_001414034.1); c.1588C>T, p.Arg530Ter (NM_001410977.1); c.1381C>T, p.Arg461Ter (NM_001414030.1); c.1369C>T, p.Arg457Ter (NM_001414031.1); and 3 more; short protein forms R393*, R486*, R490*, R377*, R38*, R530*, R373*, R425*.
Identifiers: ClinVar variation 537989 (VCV000537989.6), dbSNP rs372328960, ClinGen allele CA6615954.
Genomic context (GRCh38, chr12:55,697,500, plus strand): 5'-TCCCACCTCACCAGACCGAGTGGCCGCCAGCACAGTTGGGCTGCTCCAGGTCGATGCTTC[G>A]TGGAGCAATAGAGACCTCATGGGAGACATGGAGGATGGGTCTGGCCCTGGGATTGGGGAG-3'